The following is an entry in ClinVar:

NM_054027.6(ANKH):c.102G>A (p.Leu34=)

Gene: ANKH (ANKH inorganic pyrophosphate transport regulator; minus strand). Cytogenetic location: 5p15.2.
Variant type: single nucleotide variant.
Coding change: c.102G>A on transcript NM_054027.6 (MANE Select); coding-DNA position 102, G replaced by A.
Protein change: p.Leu34=; no amino-acid change (leucine 34 retained).
Molecular consequence: synonymous variant.
Genome position (GRCh38, 1-based): chr5:14,769,186, C>T on the plus strand (G>A on the coding strand, the complement: ANKH is on the minus strand). VCF-style: chr5-14769186-C-T. GRCh37 (hg19) VCF-style: chr5-14769295-C-T.
Identifiers: ClinVar variation 290060 (VCV000290060.23), dbSNP rs116591972, ClinGen allele CA3209202.

ClinVar aggregate classification (germline): Benign/Likely benign. Review status: criteria provided, multiple submitters, no conflicts (2 of 4 stars). 9 submissions from 8 submitters: Benign (6); Likely benign (3). Last evaluated 2025-11-01.

Conditions:
Chondrocalcinosis 2. Also called: Familial calcium pyrophosphate deposition; CALCIUM GOUT; CALCIUM PYROPHOSPHATE ARTHROPATHY. Identifiers: Orphanet 1416, MedGen C0856830, MONDO:0007319, OMIM 118600.
Craniometaphyseal dysplasia, autosomal dominant (CMDD). Identifiers: Orphanet 1522, MedGen C1852502, MONDO:0007397, OMIM 123000.

Allele frequency attached by ClinVar (database versions not stated): ESP Exome Variant Server 0.00223; TOPMed 0.00226; 1000 Genomes Project 30x 0.00250; 1000 Genomes Project 0.00300; ExAC 0.00083; gnomAD 0.00184 and 0.00196; gnomAD exomes 0.00019 and 0.00050.
gnomAD v4.1: 558 of 1,613,150 alleles (0.035%); highest among the groups gnomAD compares: African/African-American, 0.64%; 4 homozygotes.

Submissions (9):

Labcorp Genetics (formerly Invitae), Labcorp
Classification: Benign. Last evaluated: 2025-11-01. Review status: criteria provided, single submitter. Criteria: Invitae Variant Classification Sherloc (09022015). Collection method: clinical testing. Allele origin: germline.

Blueprint Genetics
Classification: Likely benign. Last evaluated: 2024-10-07. Review status: criteria provided, single submitter. Criteria: ACMG Guidelines, 2015. Collection method: clinical testing. Allele origin: germline.

Genome-Nilou Lab
Classification: Benign for Craniometaphyseal dysplasia, autosomal dominant. Last evaluated: 2021-12-05. Review status: criteria provided, single submitter. Criteria: ACMG Guidelines, 2015. Collection method: clinical testing. Allele origin: germline. Affected: no.

GeneDx
Classification: Likely benign. Last evaluated: 2021-04-19. Review status: criteria provided, single submitter. Criteria: GeneDx Variant Classification Process June 2021. Collection method: clinical testing. Allele origin: germline. Affected: yes.

Athena Diagnostics
Classification: Benign. Last evaluated: 2018-08-10. Review status: criteria provided, single submitter. Criteria: Athena Diagnostics Criteria. Collection method: clinical testing. Allele origin: germline.

Illumina Laboratory Services, Illumina
Classification: Benign for Chondrocalcinosis 2. Last evaluated: 2018-01-12. Review status: criteria provided, single submitter. Criteria: ICSL Variant Classification Criteria 13 December 2019. Collection method: clinical testing. Allele origin: germline.
Comment: This variant was observed in the ICSL laboratory as part of a predisposition screen in an ostensibly healthy population. It had not been previously curated by ICSL or reported in the Human Gene Mutation Database (HGMD: prior to June 1st, 2018), and was therefore a candidate for classification through an automated scoring system. Utilizing variant allele frequency, disease prevalence and penetrance estimates, and inheritance mode, an automated score was calculated to assess if this variant is too frequent to cause the disease. Based on the score and internal cut-off values, a variant classified as benign is not then subjected to further curation. The score for this variant resulted in a classification of benign for this disease.

Illumina Laboratory Services, Illumina
Classification: Benign for Craniometaphyseal dysplasia, autosomal dominant. Last evaluated: 2018-01-12. Review status: criteria provided, single submitter. Criteria: ICSL Variant Classification Criteria 13 December 2019. Collection method: clinical testing. Allele origin: germline.
Comment: the same text as in the submission from Illumina Laboratory Services, Illumina above.

Eurofins Ntd Llc (ga)
Classification: Benign. Last evaluated: 2016-09-02. Review status: criteria provided, single submitter. Criteria: EGL Classification Definitions 2015. Collection method: clinical testing. Allele origin: germline. Observed: 1 variant allele, 1 heterozygote.

Breakthrough Genomics
Classification: Likely benign. Review status: criteria provided, single submitter. Criteria: ACMG Guidelines, 2015. Collection method: not provided. Allele origin: germline. Inheritance: Autosomal dominant inheritance. Affected: yes.